The following is an entry in ClinVar:

ClinVar aggregate classification (germline): Uncertain significance (1 of 4 stars; one submission).

Allele frequency attached by ClinVar (database versions not stated): gnomAD 0.00001; gnomAD exomes below 0.00001; TOPMed 0.00001.
gnomAD v4.1: 3 of 1,587,856 alleles (0.00019%); highest among the groups gnomAD compares: African/African-American, 0.004%; no homozygotes.

Submission:

Labcorp Genetics (formerly Invitae), Labcorp
Classification: Uncertain significance. Last evaluated: 2022-06-15. Review status: criteria provided, single submitter. Criteria: Invitae Variant Classification Sherloc (09022015). Collection method: clinical testing. Allele origin: germline.
Comment: This sequence change replaces glutamine, which is neutral and polar, with lysine, which is basic and polar, at codon 645 of the SZT2 protein (p.Gln645Lys). The frequency data for this variant in the population databases is considered unreliable, as metrics indicate poor data quality at this position in the gnomAD database. This variant has not been reported in the literature in individuals affected with SZT2-related conditions. Algorithms developed to predict the effect of missense changes on protein structure and function (SIFT, PolyPhen-2, Align-GVGD) all suggest that this variant is likely to be tolerated. In summary, the available evidence is currently insufficient to determine the role of this variant in disease. Therefore, it has been classified as a Variant of Uncertain Significance.

NM_001365999.1(SZT2):c.1933C>A (p.Gln645Lys)

Gene: SZT2 (SZT2 subunit of KICSTOR complex; plus strand). Cytogenetic location: 1p34.2.
Variant type: single nucleotide variant.
Coding change: c.1933C>A on transcript NM_001365999.1 (MANE Select); coding-DNA position 1933, C replaced by A.
Protein change: p.Gln645Lys; replaces glutamine 645 with lysine.
Molecular consequence: missense variant.
Genome position (GRCh38, 1-based): chr1:43,422,779, C>A. VCF-style: chr1-43422779-C-A. GRCh37 (hg19) VCF-style: chr1-43888450-C-A.
Other names: c.1933C>A, p.Gln645Lys (NM_015284.4); short protein forms Q645K.
Identifiers: ClinVar variation 2057861 (VCV002057861.4), dbSNP rs1279253185, ClinGen allele CA340010493.